The following is an entry in ClinVar:

NM_000059.4(BRCA2):c.9743T>C (p.Met3248Thr)

Gene: BRCA2 (BRCA2 DNA repair associated; plus strand). Cytogenetic location: 13q13.1.
Variant type: single nucleotide variant.
Coding change: c.9743T>C on transcript NM_000059.4 (MANE Select); coding-DNA position 9743, T replaced by C.
Protein change: p.Met3248Thr; replaces methionine 3248 with threonine.
Molecular consequence: missense variant.
Genome position (GRCh38, 1-based): chr13:32,398,256, T>C. VCF-style: chr13-32398256-T-C. GRCh37 (hg19) VCF-style: chr13-32972393-T-C.
Other names: short protein forms M3248T.
Identifiers: ClinVar variation 659031 (VCV000659031.9), dbSNP rs1593201751, ClinGen allele CA387765618.
Genomic context (GRCh38, chr13:32,398,256, plus strand): 5'-GTCCTTTATCACTTTGTATGGCCAAAAGGAAGTCTGTTTCCACACCTGTCTCAGCCCAGA[T>C]GACTTCAAAGTCTTGTAAAGGGGAGAAAGAGATTGATGACCAAAAGAACTGCAAAAAGAG-3'
Protein context (NP_000050.3, residues 3238-3258): KSVSTPVSAQ[Met3248Thr]TSKSCKGEKE

ClinVar aggregate classification (germline): Uncertain significance (1 of 4 stars; one submission).

Conditions:
Hereditary breast ovarian cancer syndrome. Also called: BRCA1- and BRCA2-Associated Hereditary Breast and Ovarian Cancer; Hereditary breast and ovarian cancer syndrome; Hereditary breast and ovarian cancer syndrome (HBOC); Hereditary breast and/or ovarian cancer syndrome; Breast and ovarian cancer; Hereditary breast and ovarian cancer. Identifiers: Orphanet 145, MedGen C0677776, MeSH D061325, MONDO:0003582. Disease mechanism: loss of function.

Submission:

Labcorp Genetics (formerly Invitae), Labcorp
Classification: Uncertain significance for Hereditary breast ovarian cancer syndrome. Last evaluated: 2018-09-04. Review status: criteria provided, single submitter. Criteria: Invitae Variant Classification Sherloc (09022015). Collection method: clinical testing. Allele origin: germline.
Comment: This sequence change replaces methionine with threonine at codon 3248 of the BRCA2 protein (p.Met3248Thr). The methionine residue is weakly conserved and there is a moderate physicochemical difference between methionine and threonine. This variant is not present in population databases (ExAC no frequency). This variant has not been reported in the literature in individuals with BRCA2-related disease. Algorithms developed to predict the effect of missense changes on protein structure and function (SIFT, PolyPhen-2, Align-GVGD) all suggest that this variant is likely to be tolerated, but these predictions have not been confirmed by published functional studies and their clinical significance is uncertain. In summary, the available evidence is currently insufficient to determine the role of this variant in disease. Therefore, it has been classified as a Variant of Uncertain Significance.